The following is an entry in ClinVar:

ClinVar aggregate classification (germline): Likely pathogenic (1 of 4 stars; one submission).

Conditions:
Nemaline myopathy 2 (NEM2). Also called: Nemaline myopathy 2, autosomal recessive. Identifiers: MedGen C1850569, MONDO:0009725, OMIM 256030.

Allele frequency attached by ClinVar (database versions not stated): TOPMed below 0.00001; gnomAD 0.00001.
gnomAD v4.1: 1 of 1,612,578 alleles (0.000062%); highest among the groups gnomAD compares: Non-Finnish European, 0.000085%; no homozygotes.

Submission:

Labcorp Genetics (formerly Invitae), Labcorp
Classification: Likely pathogenic for Nemaline myopathy 2. Last evaluated: 2022-03-27. Review status: criteria provided, single submitter. Criteria: Invitae Variant Classification Sherloc (09022015). Collection method: clinical testing. Allele origin: germline.
Comment: This variant is not present in population databases (gnomAD no frequency). In summary, the currently available evidence indicates that the variant is pathogenic, but additional data are needed to prove that conclusively. Therefore, this variant has been classified as Likely Pathogenic. Algorithms developed to predict the effect of sequence changes on RNA splicing suggest that this variant may disrupt the consensus splice site. This variant has not been reported in the literature in individuals affected with NEB-related conditions. This sequence change affects an acceptor splice site in intron 109 of the NEB gene. It is expected to disrupt RNA splicing. Variants that disrupt the donor or acceptor splice site typically lead to a loss of protein function (PMID: 16199547), and loss-of-function variants in NEB are known to be pathogenic (PMID: 25205138).

Literature cited by the submitters: PubMed 16199547; PubMed 25205138.

NM_001164508.2(NEB):c.17431-2A>T

Gene: NEB (nebulin; minus strand). Cytogenetic location: 2q23.3.
Variant type: single nucleotide variant.
Coding change: c.17431-2A>T on transcript NM_001164508.2 (MANE Select); the canonical splice acceptor site of the intron before coding-DNA position 17431, A replaced by T.
Molecular consequence: splice acceptor variant.
Genome position (GRCh38, 1-based): chr2:151,569,374, T>A on the plus strand (A>T on the coding strand, the complement: NEB is on the minus strand). VCF-style: chr2-151569374-T-A. GRCh37 (hg19) VCF-style: chr2-152425888-T-A.
Other names: c.12328-2A>T (NM_004543.5); c.17431-2A>T (NM_001164507.2, NM_001271208.2).
Identifiers: ClinVar variation 2111749 (VCV002111749.4), dbSNP rs2096546757, ClinGen allele CA348806245.
Genomic context (GRCh38, chr2:151,569,374, plus strand): 5'-GAGTCATTTGGCATCCACCCAATTCCACGCAACCATTCCAAGTCAGCCTTGTAAACATTC[T>A]GTGAAAACAGGGCCAGAATGAGTTCAGCAACCCTGGTCATGTGGTCCTAGTTAGCCTATC-3'